The following is an entry in ClinVar:

NM_002582.4(PARN):c.634del (p.Lys211_Leu212insTer)

Gene: PARN (poly(A)-specific ribonuclease; minus strand). Cytogenetic location: 16p13.12.
Variant type: Deletion.
Coding change: c.634del on transcript NM_002582.4 (MANE Select); coding-DNA position 634, one base deleted (C; older notation c.634delC).
Protein change: p.Lys211_Leu212insTer.
Molecular consequence: nonsense.
Genome position (GRCh38, 1-based): chr16:14,608,306, G deleted on the plus strand (C on the coding strand, the reverse complement: PARN is on the minus strand). VCF-style (leftmost placement, unchanged base first): chr16-14608305-AG-A. GRCh37 (hg19) VCF-style: chr16-14702162-AG-A.
Other names: c.451del, p.Lys150_Leu151insTer (NM_001134477.3); c.496del, p.Lys165_Leu166insTer (NM_001242992.2).
Identifiers: ClinVar variation 3376859 (VCV003376859.1).

ClinVar aggregate classification (germline): Pathogenic (1 of 4 stars; one submission).

Conditions:
Pulmonary fibrosis and/or bone marrow failure, Telomere-related, 4. Also called: PULMONARY FIBROSIS AND/OR BONE MARROW FAILURE SYNDROME, TELOMERE-RELATED, 4. Identifiers: Orphanet 2032, MedGen C4225347, MONDO:0014612, OMIM 616371.

Submission:

Victorian Clinical Genetics Services, Murdoch Childrens Research Institute
Classification: Pathogenic for Pulmonary fibrosis and/or bone marrow failure, Telomere-related, 4. Last evaluated: 2024-09-20. Review status: criteria provided, single submitter. Criteria: ACMG Guidelines, 2015. Collection method: clinical testing. Allele origin: germline. Inheritance: Autosomal dominant inheritance. Affected: yes.
Comment: Based on the classification scheme VCGS_Germline_v1.3.4, this variant is classified as Pathogenic. Following criteria are met: 0102 - Loss of function is a known mechanism of disease in this gene and is associated with dyskeratosis congenita, autosomal recessive 6 (MIM#616353) and pulmonary fibrosis and/or bone marrow failure, telomere-related, 4 (MIM#616371). (I) 0108 - This gene is associated with both recessive and dominant disease. (I) 0112 - The condition associated with this gene has incomplete penetrance (PMID: 25848748). (I) 0115 - Variants in this gene are known to have variable expressivity. Intra-familial variability has been reported (PMID: 20301779). (I) 0201 - Variant is predicted to cause nonsense-mediated decay (NMD) and loss of protein (premature termination codon is located at least 54 nucleotides upstream of the final exon-exon junction). (SP) 0251 - This variant is heterozygous. (I) 0301 - Variant is absent from gnomAD (both v2 and v3). (SP) 0701 - Other NMD-predicted variants comparable to the one identified in this case have very strong previous evidence for pathogenicity (DECIPHER). (SP) 0807 - This variant has no previous evidence of pathogenicity. (I) 0905 - No published segregation evidence has been identified for this variant. (I) 1007 - No published functional evidence has been identified for this variant. (I) 1208 - Inheritance information for this variant is not currently available in this individual. (I) Legend: (SP) - Supporting pathogenic, (I) - Information, (SB) - Supporting benign

Literature cited by the submitters: PubMed 20301779; PubMed 25848748.